The following is an entry in ClinVar:

NC_012920.1(MT-ND5):m.12757T>C

Gene: MT-ND5 (mitochondrially encoded NADH dehydrogenase 5; plus strand).
Variant type: single nucleotide variant.
Genome position: chrM-12757-T-C.
Identifiers: ClinVar variation 693481 (VCV000693481.1), dbSNP rs1603223892, ClinGen allele CA414814709.
Genomic context (GRCh38, chrMT:12,757, plus strand): 5'-CTACTCATCTTCCTAATTACCATACTAATCTTAGTTACCGCTAACAACCTATTCCAACTG[T>C]TCATCGGCTGAGAGGGCGTAGGAATTATATCCTTCTTGCTCATCAGTTGATGATACGCCC-3'

ClinVar aggregate classification (germline): Benign (1 of 4 stars; one submission).

Conditions:
Leigh syndrome (NULS). Also called: Leigh's necrotizing encephalopathy; Leigh's disease; Leigh Syndrome (mtDNA deletion); Leigh Disease; Subacute necrotizing encephalopathy; Necrotizing encephalopathy infantile subacute of Leigh. Identifiers: Orphanet 506, MedGen C2931891, MONDO:0009723, OMIM 256000.

Submission:

Wong Mito Lab, Molecular and Human Genetics, Baylor College of Medicine
Classification: Benign for Leigh syndrome. Last evaluated: 2019-10-17. Review status: criteria provided, single submitter. Criteria: Modified ACMG Guidelines (Unpublished). Collection method: clinical testing. Allele origin: germline.
Comment: The NC_012920.1:m.12757T>C (YP_003024036.1:p.Phe141Leu) variant in MTND5 gene is interpretated to be a Benign variant based on the modified ACMG guidelines (unpublished). This variant meets the following evidence codes: BS1, BS4, BP4